The following is an entry in ClinVar:

NM_004859.4(CLTC):c.86C>T (p.Thr29Ile)

Gene: CLTC (clathrin heavy chain; plus strand). Cytogenetic location: 17q23.1.
Variant type: single nucleotide variant.
Coding change: c.86C>T on transcript NM_004859.4 (MANE Select); coding-DNA position 86, C replaced by T.
Protein change: p.Thr29Ile; replaces threonine 29 with isoleucine.
Molecular consequence: missense variant.
Genome position (GRCh38, 1-based): chr17:59,644,319, C>T. VCF-style: chr17-59644319-C-T. GRCh37 (hg19) VCF-style: chr17-57721680-C-T.
Other names: c.86C>T, p.Thr29Ile (NM_001288653.2); short protein forms T29I.
Identifiers: ClinVar variation 4530948 (VCV004530948.1).

ClinVar aggregate classification (germline): Uncertain significance (1 of 4 stars; one submission).

Submission:

GeneDx
Classification: Uncertain significance. Last evaluated: 2025-05-16. Review status: criteria provided, single submitter. Criteria: GeneDx Variant Classification Process June 2021. Collection method: clinical testing. Allele origin: germline. Affected: yes.
Comment: Not observed at significant frequency in large population cohorts (gnomAD); In silico analysis supports that this missense variant has a deleterious effect on protein structure/function; Has not been previously published as pathogenic or benign to our knowledge